The following is an entry in ClinVar:

NM_001109809.5(ZFP57):c.758A>T (p.His253Leu)

Gene: ZFP57 (ZFP57 zinc finger protein; minus strand). Cytogenetic location: 6p22.1.
Variant type: single nucleotide variant.
Coding change: c.758A>T on transcript NM_001109809.5 (MANE Select); coding-DNA position 758, A replaced by T.
Protein change: p.His253Leu; replaces histidine 253 with leucine.
Molecular consequence: missense variant.
Genome position (GRCh38, 1-based): chr6:29,673,353, T>A on the plus strand (A>T on the coding strand, the complement: ZFP57 is on the minus strand). VCF-style: chr6-29673353-T-A. GRCh37 (hg19) VCF-style: chr6-29641130-T-A.
Other names: c.542A>T, p.His181Leu (NM_001366333.2); short protein forms H181L, H253L.
Identifiers: ClinVar variation 2656324 (VCV002656324.24), dbSNP rs1173982165, ClinGen allele CA363045660.

ClinVar aggregate classification (germline): Uncertain significance (1 of 4 stars; one submission).

Submission:

CeGaT Center for Human Genetics Tuebingen
Classification: Uncertain significance. Last evaluated: 2023-07-01. Review status: criteria provided, single submitter. Criteria: CeGaT Center For Human Genetics Tuebingen Variant Classification Criteria Version 2. Collection method: clinical testing. Allele origin: germline. Affected: yes. Observed: 1 variant allele.
Comment: ZFP57: PM2